The following is an entry in ClinVar:

ClinVar aggregate classification (germline): Uncertain significance (1 of 4 stars; one submission).

Submission:

CeGaT Center for Human Genetics Tuebingen
Classification: Uncertain significance. Last evaluated: 2026-05-01. Review status: criteria provided, single submitter. Criteria: CeGaT Center For Human Genetics Tuebingen Variant Classification Criteria Version 2. Collection method: clinical testing. Allele origin: germline. Affected: yes. Observed: 1 variant allele.
Comment: SPG11: PM2, BP4

NM_025137.4(SPG11):c.406G>A (p.Glu136Lys)

Gene: SPG11 (SPG11 vesicle trafficking associated, spatacsin; minus strand). Cytogenetic location: 15q21.1.
Variant type: single nucleotide variant.
Coding change: c.406G>A on transcript NM_025137.4 (MANE Select); coding-DNA position 406, G replaced by A.
Protein change: p.Glu136Lys; replaces glutamic acid 136 with lysine.
Molecular consequence: missense variant.
Genome position (GRCh38, 1-based): chr15:44,660,468, C>T on the plus strand (G>A on the coding strand, the complement: SPG11 is on the minus strand). VCF-style: chr15-44660468-C-T. GRCh37 (hg19) VCF-style: chr15-44952666-C-T.
Other names: c.406G>A, p.Glu136Lys (NM_001160227.2, NM_001411132.1); short protein forms E136K.
Identifiers: ClinVar variation 4873964 (VCV004873964.2).
Genomic context (GRCh38, chr15:44,660,468, plus strand): 5'-GAAAGACCACCTGTAGATACTTACTGATATCTTGATCGTCAATGAGCTTTTGCAATGCCT[C>T]CCTACTACAGCTATACAAAATGGTTGCATCACATCTTCCATCTTTCAAATTAAATTCATA-3'
Protein context (NP_079413.3, residues 126-146): DATILYSCSR[Glu136Lys]ALQKLIDDQD